The following is an entry in ClinVar:

NM_181672.3(OGT):c.1052G>A (p.Arg351His)

Gene: OGT (O-linked N-acetylglucosamine (GlcNAc) transferase; plus strand). Cytogenetic location: Xq13.1.
Variant type: single nucleotide variant.
Coding change: c.1052G>A on transcript NM_181672.3 (MANE Select); coding-DNA position 1052, G replaced by A.
Protein change: p.Arg351His; replaces arginine 351 with histidine.
Molecular consequence: missense variant.
Genome position (GRCh38, 1-based): chrX:71,556,081, G>A. VCF-style: chrX-71556081-G-A. GRCh37 (hg19) VCF-style: chrX-70775931-G-A.
Other names: c.1022G>A, p.Arg341His (NM_181673.3); short protein forms R341H, R351H.
Identifiers: ClinVar variation 4540253 (VCV004540253.2).

ClinVar aggregate classification (germline): Uncertain significance (1 of 4 stars; one submission).

gnomAD v4.1: 1 of 1,211,413 alleles (0.000083%); highest among the groups gnomAD compares: Non-Finnish European, 0.00011%; no homozygotes.

Submission:

GeneDx
Classification: Uncertain significance. Last evaluated: 2026-07-23. Review status: criteria provided, single submitter. Criteria: GeneDx Variant Classification Process June 2021. Collection method: clinical testing. Allele origin: germline.
Comment: Not observed at significant frequency in large population cohorts (gnomAD); In silico analysis suggests that this missense variant does not alter protein structure/function, but is inconclusive as to whether the variant alters gene splicing; in the absence of RNA/functional studies, the actual effect of this sequence change is unknown; Has not been previously published as pathogenic or benign to our knowledge